The following is an entry in ClinVar:

NM_001256071.3(RNF213):c.9453T>C (p.Ile3151=)

Gene: RNF213 (ring finger protein 213; plus strand). Cytogenetic location: 17q25.3.
Variant type: single nucleotide variant.
Coding change: c.9453T>C on transcript NM_001256071.3 (MANE Select); coding-DNA position 9453, T replaced by C.
Protein change: p.Ile3151=; no amino-acid change (isoleucine 3151 retained).
Molecular consequence: synonymous variant.
Genome position (GRCh38, 1-based): chr17:80,347,788, T>C. VCF-style: chr17-80347788-T-C. GRCh37 (hg19) VCF-style: chr17-78321588-T-C.
Other names: c.9600T>C, p.Ile3200= (NM_001410195.1, NM_020914.5).
Identifiers: ClinVar variation 3250928 (VCV003250928.18), dbSNP rs561939481.

ClinVar aggregate classification (germline): Likely benign (1 of 4 stars; one submission).

gnomAD v4.1: 26 of 1,614,062 alleles (0.0016%); highest among the groups gnomAD compares: Non-Finnish European, 0.0022%; no homozygotes.

Submission:

CeGaT Center for Human Genetics Tuebingen
Classification: Likely benign. Last evaluated: 2024-06-01. Review status: criteria provided, single submitter. Criteria: CeGaT Center For Human Genetics Tuebingen Variant Classification Criteria Version 2. Collection method: clinical testing. Allele origin: germline. Affected: yes. Observed: 1 variant allele.
Comment: RNF213: BP4, BP7